The following is an entry in ClinVar:

NM_001031689.3(PLAA):c.1417+5G>A

Gene: PLAA (phospholipase A2 activating protein; minus strand). Cytogenetic location: 9p21.2.
Variant type: single nucleotide variant.
Coding change: c.1417+5G>A on transcript NM_001031689.3 (MANE Select); 5 bases into the intron after coding-DNA position 1417, G replaced by A.
Molecular consequence: intron variant.
Genome position (GRCh38, 1-based): chr9:26,919,305, C>T on the plus strand (G>A on the coding strand, the complement: PLAA is on the minus strand). VCF-style: chr9-26919305-C-T. GRCh37 (hg19) VCF-style: chr9-26919303-C-T.
Other names: c.1417+5G>A (NM_001321546.2).
Identifiers: ClinVar variation 1348337 (VCV001348337.6), dbSNP rs1039511340, ClinGen allele CA2573143680.
Genomic context (GRCh38, chr9:26,919,305, plus strand): 5'-AAACATCAAAAAAATCAATCAACACTAATGGAACTACATAAGACTCAATATAAACACTAA[C>T]TTACCTGTAAATGGATCTGAAAAGCTGGGATTCCCAAGTCCCAACATTTGACCTTTTGTG-3'

ClinVar aggregate classification (germline): Uncertain significance (1 of 4 stars; one submission).

Submission:

Labcorp Genetics (formerly Invitae), Labcorp
Classification: Uncertain significance. Last evaluated: 2022-02-05. Review status: criteria provided, single submitter. Criteria: Invitae Variant Classification Sherloc (09022015). Collection method: clinical testing. Allele origin: germline.
Comment: In summary, the available evidence is currently insufficient to determine the role of this variant in disease. Therefore, it has been classified as a Variant of Uncertain Significance. Variants that disrupt the consensus splice site are a relatively common cause of aberrant splicing (PMID: 17576681, 9536098). Algorithms developed to predict the effect of sequence changes on RNA splicing suggest that this variant may disrupt the consensus splice site. This variant has not been reported in the literature in individuals affected with PLAA-related conditions. This variant is not present in population databases (gnomAD no frequency). This sequence change falls in intron 9 of the PLAA gene. It does not directly change the encoded amino acid sequence of the PLAA protein. It affects a nucleotide within the consensus splice site.

Literature cited by the submitters: PubMed 17576681; PubMed 9536098.